The following is an entry in ClinVar:

ClinVar aggregate classification (germline): Uncertain significance (1 of 4 stars; one submission).

Conditions:
Noonan syndrome (NS). Also called: Noonan's syndrome. Identifiers: Orphanet 648, MedGen C0028326, MeSH D009634, MONDO:0018997. Disease mechanism: gain of function.

Allele frequency attached by ClinVar (database versions not stated): TOPMed 0.00001.

Submission:

Labcorp Genetics (formerly Invitae), Labcorp
Classification: Uncertain significance for Noonan syndrome. Last evaluated: 2022-07-06. Review status: criteria provided, single submitter. Criteria: Invitae Variant Classification Sherloc (09022015). Collection method: clinical testing. Allele origin: germline.
Comment: This sequence change replaces glycine, which is neutral and non-polar, with alanine, which is neutral and non-polar, at codon 10 of the RRAS protein (p.Gly10Ala). This variant is not present in population databases (gnomAD no frequency). This variant has not been reported in the literature in individuals affected with RRAS-related conditions. ClinVar contains an entry for this variant (Variation ID: 1392578). Algorithms developed to predict the effect of missense changes on protein structure and function are either unavailable or do not agree on the potential impact of this missense change (SIFT: "Deleterious"; PolyPhen-2: "Probably Damaging"; Align-GVGD: "Class C0"). In summary, the available evidence is currently insufficient to determine the role of this variant in disease. Therefore, it has been classified as a Variant of Uncertain Significance.

NM_006270.5(RRAS):c.29G>C (p.Gly10Ala)

Gene: RRAS (RAS related; minus strand). Cytogenetic location: 19q13.33.
Variant type: single nucleotide variant.
Coding change: c.29G>C on transcript NM_006270.5 (MANE Select); coding-DNA position 29, G replaced by C.
Protein change: p.Gly10Ala; replaces glycine 10 with alanine.
Molecular consequence: missense variant.
Genome position (GRCh38, 1-based): chr19:49,640,070, C>G on the plus strand (G>C on the coding strand, the complement: RRAS is on the minus strand). VCF-style: chr19-49640070-C-G. GRCh37 (hg19) VCF-style: chr19-50143327-C-G.
Other names: short protein forms G10A.
Identifiers: ClinVar variation 1392578 (VCV001392578.8), dbSNP rs2081015676, ClinGen allele CA406850084.